The following is an entry in ClinVar:

ClinVar aggregate classification (germline): Likely benign. Review status: criteria provided, multiple submitters, no conflicts (2 of 4 stars). 2 submissions from 2 submitters: Likely benign (2). Last evaluated 2026-03-25.

Conditions:
ACTB-related disorder. Also called: ACTB-related disorders; ACTB-related condition.
Baraitser-Winter syndrome 1 (BRWS1). Also called: BARAITSER-WINTER SYNDROME 1, ATYPICAL; PACHYGYRIA, MENTAL RETARDATION, EPILEPSY, AND CHARACTERISTIC FACIES; MENTAL RETARDATION WITH EPILEPSY AND CHARACTERISTIC FACIES; Cerebrofrontofacial syndrome. Identifiers: Orphanet 2649, Orphanet 2995, MedGen C1855722, MONDO:0009470, OMIM 243310.

Allele frequency attached by ClinVar (database versions not stated): gnomAD exomes 0.00001; ExAC 0.00002.

Submissions (2):

PreventionGenetics, part of Exact Sciences
Classification: Likely benign for ACTB-related condition. Last evaluated: 2026-03-25. Review status: criteria provided, single submitter. Criteria: ACMG Guidelines, 2015. Collection method: clinical testing. Allele origin: germline.
Comment: This variant is classified as likely benign based on ACMG/AMP sequence variant interpretation guidelines (Richards et al. 2015 PMID: 25741868, with internal and published modifications).

Labcorp Genetics (formerly Invitae), Labcorp
Classification: Likely benign for Baraitser-Winter syndrome 1. Last evaluated: 2024-12-28. Review status: criteria provided, single submitter. Criteria: Invitae Variant Classification Sherloc (09022015). Collection method: clinical testing. Allele origin: germline.

NM_001101.5(ACTB):c.660C>T (p.Ala220=)

Gene: ACTB (actin beta; minus strand). Cytogenetic location: 7p22.1.
Variant type: single nucleotide variant.
Coding change: c.660C>T on transcript NM_001101.5 (MANE Select); coding-DNA position 660, C replaced by T.
Protein change: p.Ala220=; no amino-acid change (alanine 220 retained).
Molecular consequence: synonymous variant.
Genome position (GRCh38, 1-based): chr7:5,528,423, G>A on the plus strand (C>T on the coding strand, the complement: ACTB is on the minus strand). VCF-style: chr7-5528423-G-A. GRCh37 (hg19) VCF-style: chr7-5568054-G-A.
Identifiers: ClinVar variation 2140994 (VCV002140994.5), dbSNP rs751948358, ClinGen allele CA4146974.
Genomic context (GRCh38, chr7:5,528,423, plus strand): 5'-GTAGCTCTTCTCCAGGGAGGAGCTGGAAGCAGCCGTGGCCATCTCTTGCTCGAAGTCCAG[G>A]GCGACGTAGCACAGCTTCTCCTTAATGTCACGCACGATTTCCCGCTCGGCCGTGGTGGTG-3'
Protein context (NP_001092.1, residues 210-230): RDIKEKLCYV[Ala220=]LDFEQEMATA